The following is an entry in ClinVar:

NM_007118.4(TRIO):c.299G>A (p.Arg100Gln)

Gene: TRIO (trio Rho guanine nucleotide exchange factor; plus strand). Cytogenetic location: 5p15.2.
Variant type: single nucleotide variant.
Coding change: c.299G>A on transcript NM_007118.4 (MANE Select); coding-DNA position 299, G replaced by A.
Protein change: p.Arg100Gln; replaces arginine 100 with glutamine.
Molecular consequence: missense variant. On other transcripts: non-coding transcript variant (1).
Genome position (GRCh38, 1-based): chr5:14,280,388, G>A. VCF-style: chr5-14280388-G-A. GRCh37 (hg19) VCF-style: chr5-14280497-G-A.
Other names: short protein forms R100Q.
Identifiers: ClinVar variation 4821204 (VCV004821204.4).

ClinVar aggregate classification (germline): Benign (1 of 4 stars; one submission).

gnomAD v4.1: 17 of 1,613,966 alleles (0.0011%); highest among the groups gnomAD compares: Middle Eastern, 0.033%; no homozygotes.

Submission:

CeGaT Center for Human Genetics Tuebingen
Classification: Benign. Last evaluated: 2026-02-01. Review status: criteria provided, single submitter. Criteria: CeGaT Center For Human Genetics Tuebingen Variant Classification Criteria Version 2. Collection method: clinical testing. Allele origin: germline. Affected: yes. Observed: 1 variant allele.
Comment: TRIO: PP3, BS1, BS2